The following is an entry in ClinVar:

ClinVar aggregate classification (germline): Uncertain significance. Review status: criteria provided, multiple submitters, no conflicts (2 of 4 stars). 3 submissions from 3 submitters: Uncertain significance (3). Last evaluated 2026-08-07.

Conditions:
TRPC6-related disorder. Also called: TRPC6-related condition.
Focal segmental glomerulosclerosis 2 (FSGS2). Identifiers: Orphanet 656, MedGen C1858915, MONDO:0011390, OMIM 603965.

Allele frequency attached by ClinVar (database versions not stated): gnomAD exomes below 0.00001; TOPMed below 0.00001; gnomAD 0.00001.
gnomAD v4.1: 6 of 1,507,712 alleles (0.0004%); highest among the groups gnomAD compares: Non-Finnish European, 0.00053%; no homozygotes.

Submissions (3):

PreventionGenetics, part of Exact Sciences
Classification: Uncertain significance for TRPC6-related condition. Last evaluated: 2026-08-07. Review status: criteria provided, single submitter. Criteria: ACMG Guidelines, 2015. Collection method: clinical testing. Allele origin: germline.
Comment: The TRPC6 c.20T>C variant is predicted to result in the amino acid substitution p.Phe7Ser. To our knowledge, this variant has not been reported in the literature or in a large population database (gnomAD), indicating this variant is rare. At this time, the clinical significance of this variant is uncertain due to the absence of conclusive functional and genetic evidence.

Fulgent Genetics
Classification: Uncertain significance for Focal segmental glomerulosclerosis 2. Last evaluated: 2024-05-21. Review status: criteria provided, single submitter. Criteria: ACMG Guidelines, 2015. Collection method: clinical testing. Allele origin: germline.

Labcorp Genetics (formerly Invitae), Labcorp
Classification: Uncertain significance. Last evaluated: 2023-12-21. Review status: criteria provided, single submitter. Criteria: Invitae Variant Classification Sherloc (09022015). Collection method: clinical testing. Allele origin: germline.
Comment: This sequence change replaces phenylalanine, which is neutral and non-polar, with serine, which is neutral and polar, at codon 7 of the TRPC6 protein (p.Phe7Ser). This variant is not present in population databases (gnomAD no frequency). This variant has not been reported in the literature in individuals affected with TRPC6-related conditions. ClinVar contains an entry for this variant (Variation ID: 1955011). Experimental studies and prediction algorithms are not available or were not evaluated, and the functional significance of this variant is currently unknown. In summary, the available evidence is currently insufficient to determine the role of this variant in disease. Therefore, it has been classified as a Variant of Uncertain Significance.

NM_004621.6(TRPC6):c.20T>C (p.Phe7Ser)

Gene: TRPC6 (transient receptor potential cation channel subfamily C member 6; minus strand). Cytogenetic location: 11q22.1.
Variant type: single nucleotide variant.
Coding change: c.20T>C on transcript NM_004621.6 (MANE Select); coding-DNA position 20, T replaced by C.
Protein change: p.Phe7Ser; replaces phenylalanine 7 with serine.
Molecular consequence: missense variant.
Genome position (GRCh38, 1-based): chr11:101,583,484, A>G on the plus strand (T>C on the coding strand, the complement: TRPC6 is on the minus strand). VCF-style: chr11-101583484-A-G. GRCh37 (hg19) VCF-style: chr11-101454215-A-G.
Other names: c.20T>C (NM_004621.5); short protein forms F7S.
Identifiers: ClinVar variation 1955011 (VCV001955011.7), dbSNP rs1355322793, ClinGen allele CA382444308.